The following is an entry in ClinVar:

NM_033380.3(COL4A5):c.3051dup (p.Gly1018fs)

Gene: COL4A5 (collagen type IV alpha 5 chain; plus strand). Cytogenetic location: Xq22.3.
Variant type: Duplication.
Coding change: c.3051dup on transcript NM_033380.3 (MANE Select); coding-DNA position 3051, one base duplicated (A; older notation c.3051dupA).
Protein change: p.Gly1018fs; shifts the reading frame from glycine 1018.
Molecular consequence: frameshift variant.
Genome position (GRCh38, 1-based): chrX:108,625,739, A duplicated. VCF-style (leftmost placement, unchanged base first): chrX-108625738-C-CA. GRCh37 (hg19) VCF-style: chrX-107868968-C-CA.
Other names: c.3051dup, p.Gly1018fs (NM_000495.5); short protein forms G1018fs.
Identifiers: ClinVar variation 1405422 (VCV001405422.1), dbSNP rs2147872148, ClinGen allele CA2573159096.
Genomic context (GRCh38, chrX:108,625,738, plus strand): 5'-TTAATTTTACCAATTTGACCTTTCTAGGTCCCAAAGGTAACCCTGGTCTCCCTGGACAGC[C>CA]AGGTCTTATAGGACCTCCTGGACTTAAAGGAACCATCGGTGATATGGGTTTTCCAGGTGA-3'

ClinVar aggregate classification (germline): Pathogenic (1 of 4 stars; one submission).

Submission:

Labcorp Genetics (formerly Invitae), Labcorp
Classification: Pathogenic. Last evaluated: 2020-11-14. Review status: criteria provided, single submitter. Criteria: Invitae Variant Classification Sherloc (09022015). Collection method: clinical testing. Allele origin: germline.
Comment: This sequence change creates a premature translational stop signal (p.Gly1018Argfs*9) in the COL4A5 gene. It is expected to result in an absent or disrupted protein product. Loss-of-function variants in COL4A5 are known to be pathogenic (PMID: 9195222, 10752524, 14514738, 24854265, 26809805). This variant is not present in population databases (ExAC no frequency). This variant has not been reported in the literature in individuals with COL4A5-related conditions. For these reasons, this variant has been classified as Pathogenic.

Literature cited by the submitters: PubMed 9195222; PubMed 10752524; PubMed 14514738; PubMed 24854265; PubMed 26809805.